The following is an entry in ClinVar:

ClinVar aggregate classification (germline): Conflicting classifications of pathogenicity. Review status: criteria provided, conflicting classifications (1 of 4 stars). 5 submissions from 5 submitters: Uncertain significance (4); Likely benign (1). Last evaluated 2025-12-09.

Conditions:
Hereditary cancer-predisposing syndrome. Also called: Hereditary Cancer Syndrome; Neoplastic Syndromes, Hereditary; Hereditary neoplastic syndrome; Tumor predisposition. Identifiers: Orphanet 140162, MedGen C0027672, MeSH D009386, MONDO:0015356.
Hereditary breast ovarian cancer syndrome. Also called: Hereditary breast and ovarian cancer syndrome (HBOC); Breast and ovarian cancer; Hereditary breast and ovarian cancer syndrome; Hereditary breast and ovarian cancer; BRCA1- and BRCA2-Associated Hereditary Breast and Ovarian Cancer; Hereditary breast and/or ovarian cancer syndrome. Identifiers: Orphanet 145, MedGen C0677776, MeSH D061325, MONDO:0003582. Disease mechanism: loss of function.
Breast-ovarian cancer, familial, susceptibility to, 1 (BROVCA1). Also called: BRCA1 Hereditary Breast and Ovarian Cancer; OVARIAN CANCER, SUSCEPTIBILITY TO. Identifiers: Orphanet 145, MedGen C2676676, MONDO:0011450, OMIM 604370. Disease mechanism: loss of function.

Allele frequency attached by ClinVar (database versions not stated): gnomAD exomes below 0.00001; ExAC 0.00001; gnomAD 0.00001; TOPMed 0.00001.
gnomAD v4.1: 6 of 1,613,786 alleles (0.00037%); highest among the groups gnomAD compares: Non-Finnish European, 0.00051%; no homozygotes.

Submissions (5):

Labcorp Genetics (formerly Invitae), Labcorp
Classification: Uncertain significance for Hereditary breast ovarian cancer syndrome. Last evaluated: 2025-12-09. Review status: criteria provided, single submitter. Criteria: Invitae Variant Classification Sherloc (09022015). Collection method: clinical testing. Allele origin: germline.
Comment: This sequence change replaces phenylalanine, which is neutral and non-polar, with leucine, which is neutral and non-polar, at codon 1036 of the BRCA1 protein (p.Phe1036Leu). This variant is present in population databases (rs766381694, gnomAD 0.0009%). This variant has not been reported in the literature in individuals affected with BRCA1-related conditions. ClinVar contains an entry for this variant (Variation ID: 265049). Invitae Evidence Modeling of protein sequence and biophysical properties (such as structural, functional, and spatial information, amino acid conservation, physicochemical variation, residue mobility, and thermodynamic stability) indicates that this missense variant is not expected to disrupt BRCA1 protein function with a negative predictive value of 80%. In summary, the available evidence is currently insufficient to determine the role of this variant in disease. Therefore, it has been classified as a Variant of Uncertain Significance.

Ambry Genetics
Classification: Uncertain significance for Hereditary cancer-predisposing syndrome. Last evaluated: 2023-11-09. Review status: criteria provided, single submitter. Criteria: Ambry Variant Classification Scheme 2023. Collection method: clinical testing. Allele origin: germline.
Comment: The p.F1036L variant (also known as c.3106T>C), located in coding exon 9 of the BRCA1 gene, results from a T to C substitution at nucleotide position 3106. The phenylalanine at codon 1036 is replaced by leucine, an amino acid with highly similar properties. This amino acid position is conserved. In addition, this alteration is predicted to be tolerated by in silico analysis. Since supporting evidence is limited at this time, the clinical significance of this alteration remains unclear.

All of Us Research Program, National Institutes of Health
Classification: Uncertain significance for Breast-ovarian cancer, familial, susceptibility to, 1. Last evaluated: 2023-04-27. Review status: criteria provided, single submitter. Criteria: ACMG Guidelines, 2015. Collection method: clinical testing. Allele origin: germline. Inheritance: Autosomal dominant inheritance. Observed: 1 variant allele, 1 heterozygote.
Comment: This study involves interpretation of variants in research participants for the purpose of population health screening. Participant phenotype was not available at the time of variant classification. Additional details can be found in publication PMID: 35346344, PMCID: PMC8962531

University of Washington Department of Laboratory Medicine, University of Washington
Classification: Likely benign for Hereditary cancer-predisposing syndrome. Last evaluated: 2023-03-23. Review status: criteria provided, single submitter. Criteria: Dines et al. (Genet Med. 2020). Collection method: curation. Allele origin: germline.
Comment: Missense variant in a coldspot region where missense variants are very unlikely to be pathogenic (PMID:31911673).

BRCA1 coldspot (exon 11 using historical exon numbering). Reclassification based on statistical prior probability

GeneDx
Classification: Uncertain significance. Last evaluated: 2016-07-11. Review status: criteria provided, single submitter. Criteria: GeneDx Variant Classification (06012015). Collection method: clinical testing. Allele origin: germline. Affected: yes.
Comment: This variant is denoted BRCA1 c.3106T>C at the cDNA level, p.Phe1036Leu (F1036L) at the protein level, and results in the change of a Phenylalanine to a Leucine (TTT>CTT). Using alternate nomenclature, this variant would be defined as BRCA1 3225T>C. This variant has not, to our knowledge, been published in the literature as pathogenic or benign. BRCA1 Phe1036Leu was not observed in approximately 6,500 individuals of European and African American ancestry in the NHLBI Exome Sequencing Project, suggesting it is not a common benign variant in these populations. Since Phenylalanine and Leucine share similar properties, this is considered a conservative amino acid substitution. BRCA1 Phe1036Leu occurs at a position that is not conserved and is located within the DNA binding domain and a region known to interact with RAD51 (Chen 1998, Narod 2004). In silico analyses are inconsistent regarding the effect this variant may have on protein structure and function. Based on currently available information, it is unclear whether BRCA1 Phe1036Leu is pathogenic or benign. We consider it to be a variant of uncertain significance.

NM_007294.4(BRCA1):c.3106T>C (p.Phe1036Leu)

Gene: BRCA1 (BRCA1 DNA repair associated; minus strand). Cytogenetic location: 17q21.31.
Variant type: single nucleotide variant.
Coding change: c.3106T>C on transcript NM_007294.4 (MANE Select); coding-DNA position 3106, T replaced by C.
Protein change: p.Phe1036Leu; replaces phenylalanine 1036 with leucine.
Molecular consequence: missense variant. On other transcripts: intron variant (137).
Genome position (GRCh38, 1-based): chr17:43,092,425, A>G on the plus strand (T>C on the coding strand, the complement: BRCA1 is on the minus strand). VCF-style: chr17-43092425-A-G. GRCh37 (hg19) VCF-style: chr17-41244442-A-G.
Other names: c.2893T>C, p.Phe965Leu (NM_001407571.1, NM_001407896.1, NM_001407897.1 and 9 more transcripts); c.3106T>C, p.Phe1036Leu (NM_001407581.1, NM_001407582.1, NM_001407583.1 and 30 more transcripts); c.3103T>C, p.Phe1035Leu (NM_001407610.1, NM_001407611.1, NM_001407612.1 and 22 more transcripts); c.3097T>C, p.Phe1033Leu (NM_001407646.1, NM_001407647.1); c.2983T>C, p.Phe995Leu (NM_001407648.1, NM_001407664.1, NM_001407665.1 and 19 more transcripts); c.2980T>C, p.Phe994Leu (NM_001407649.1, NM_001407670.1, NM_001407671.1 and 11 more transcripts); c.3028T>C, p.Phe1010Leu (NM_001407653.1, NM_001407654.1, NM_001407655.1 and 4 more transcripts); c.3025T>C, p.Phe1009Leu (NM_001407659.1, NM_001407660.1, NM_001407661.1 and 1 more transcripts); and 41 more; short protein forms F1036L, F989L, F1035L, F968L, F995L, F1009L, F1010L, F908L.
Identifiers: ClinVar variation 265049 (VCV000265049.14), dbSNP rs766381694, ClinGen allele CA058116.
Genomic context (GRCh38, chr17:43,092,425, plus strand): 5'-AGCCCACTTCATTAGTACTGGAACCTACTTCATTAATATTGCTTGAGCTGGCTTCTTTAA[A>G]AACATTTTCTCTAATGTTATTACGGCTAATTGTGCTCACTGTACTTGGAATGTTCTCATT-3'
Protein context (NP_009225.1, residues 1026-1046): ISRNNIRENV[Phe1036Leu]KEASSSNINE